The following is an entry in ClinVar:

NM_007254.4(PNKP):c.1298+2T>A

Gene: PNKP (polynucleotide kinase 3'-phosphatase; minus strand). Cytogenetic location: 19q13.33.
Variant type: single nucleotide variant.
Coding change: c.1298+2T>A on transcript NM_007254.4 (MANE Select); the canonical splice donor site of the intron after coding-DNA position 1298, T replaced by A.
Molecular consequence: splice donor variant.
Genome position (GRCh38, 1-based): chr19:49,861,770, A>T on the plus strand (T>A on the coding strand, the complement: PNKP is on the minus strand). VCF-style: chr19-49861770-A-T. GRCh37 (hg19) VCF-style: chr19-50365027-A-T.
Identifiers: ClinVar variation 3336665 (VCV003336665.1).
Genomic context (GRCh38, chr19:49,861,770, plus strand): 5'-GCTGGATGTGCAGGCCCCGCCCACCCCGCCGCAGGCCACCTACGGCCCCGCGGTCACGCT[A>T]CCTGGCGCGGCTCGCGGCGTCTGGGTTTGTGTTGTCGATGGCGACCCGTTTCCCTTGCTT-3'

ClinVar aggregate classification (germline): Likely pathogenic (1 of 4 stars; one submission).

Conditions:
Ataxia - oculomotor apraxia type 4. Identifiers: Orphanet 459033, MedGen C4225397, MONDO:0014557, OMIM 616267.
Microcephaly, seizures, and developmental delay. Identifiers: Orphanet 1934, MedGen C3150667, MONDO:0013254, OMIM 613402.

gnomAD v4.1: 2 of 1,569,172 alleles (0.00013%); highest among the groups gnomAD compares: Middle Eastern, 0.017%; no homozygotes.

Submission:

Igenomix - Part of Vitrolife Group, Igenomix
Classification: Likely pathogenic for Ataxia - oculomotor apraxia type 4; Microcephaly, seizures, and developmental delay. Review status: criteria provided, single submitter. Criteria: ACMG Guidelines, 2015. Collection method: clinical testing. Allele origin: germline. Inheritance: Autosomal recessive inheritance. Affected: no.
Comment: This NM_007254.4:c.1298+2T>A variant results in the 5' splice site variant that affects the invariant GT splice donor site in intron 14/16 of the PNKP gene. In silico tools like dbscSNV Ada and Splice AI predict a likely disruption of the consensus splice site. This variant is found in the general population with an overall allele frequency of 0.000001275 (2/1569172 alleles; 0 homozygotes) in the gnomAD v4.1.0. To our knowledge, no experimental evidence demonstrating an impact on protein function has been reported. Based on the evidence outlined above, the variant was classified as likely pathogenic. This variant was detected in the heterozygous state through carrier screening.